The following is an entry in ClinVar:

ClinVar aggregate classification (germline): Pathogenic/Likely pathogenic. Review status: criteria provided, multiple submitters, no conflicts (2 of 4 stars). 8 submissions from 8 submitters: Pathogenic (1); Likely pathogenic (5). 2 of the submissions do not count toward it. Last evaluated 2026-10-22.

Conditions:
TTPA-related disorder. Also called: TTPA-related condition.
Familial isolated deficiency of vitamin E (AVED). Also called: Ataxia with isolated vitamin E deficiency; ATAXIA, FRIEDREICH-LIKE, WITH SELECTIVE VITAMIN E DEFICIENCY. Identifiers: Orphanet 96, MedGen C1848533, MONDO:0010188, OMIM 277460.

Allele frequency attached by ClinVar (database versions not stated): gnomAD 0.00007 and 0.00008; ESP Exome Variant Server 0.00008; gnomAD exomes 0.00006 and 0.00003; TOPMed 0.00007; ExAC 0.00005.
gnomAD v4.1: 91 of 1,613,882 alleles (0.0056%); highest among the groups gnomAD compares: African/African-American, 0.019%; no homozygotes.

Submissions (8):

GeneDx
Classification: Likely pathogenic. Last evaluated: 2026-10-22. Review status: criteria provided, single submitter. Criteria: GeneDx Variant Classification Process June 2021. Collection method: clinical testing. Allele origin: germline.
Comment: Published functional studies show conflicting information about the damaging effect of this variant (PMID: 18458085, 15065857, 16819822); Alters the last nucleotide of the exon and is predicted to destroy the splice donor site and result in aberrant splicing, although in the absence of functional evidence the actual effect of this sequence change is unknown; This variant is associated with the following publications: (PMID: 26740555, 28719003, 20301419, 17576681, 9536098, 24369383, 23077608, Atanasiu2006[Review], 20464573, 21603057, 33197771, 27915290, 26659599, 15065857, 16819822, 25614784, 18458085, 19566498, 9463307, 34759169, 30665703, dos Santos2020[Abstract], 37982115, 15300460)

Natera, Inc.
Classification: Likely pathogenic for Ataxia with isolated vitamin E deficiency. Last evaluated: 2025-05-12. Review status: criteria provided, single submitter. Criteria: Natera Variant Classification Schema (03/2026). Collection method: clinical testing. Allele origin: germline.
Comment: The c.358G>A variant in TTPA is a missense variant predicted to cause substitution of alanine to threonine at amino acid 120. This variant is rare in the general population with a frequency below the threshold expected for the associated phenotype(s). This variant has been observed in one or more individuals affected with the associated recessive disease, as either homozygous or compound heterozygous with a second variant (PMID: 34759169, 9463307, 19566498, 37982115). Additionally, this variant has been observed to segregate in affected family members (PMID: 34759169). This variant has been identified in one or more affected individuals with a phenotype highly consistent with the associated gene (PMID: 34759169, 9463307, 19566498, 37982115). Given the available evidence, this variant is classified as Likely Pathogenic.

Blueprint Genetics
Classification: Likely pathogenic for TTPA-related disorders. Last evaluated: 2024-10-23. Review status: criteria provided, single submitter. Criteria: ACMG Guidelines, 2015. Collection method: clinical testing. Allele origin: germline. Affected: yes. Observed: 5 variant alleles.

Labcorp Genetics (formerly Invitae), Labcorp
Classification: Pathogenic. Last evaluated: 2024-08-28. Review status: criteria provided, single submitter. Criteria: Invitae Variant Classification Sherloc (09022015). Collection method: clinical testing. Allele origin: germline.
Comment: This sequence change replaces alanine, which is neutral and non-polar, with threonine, which is neutral and polar, at codon 120 of the TTPA protein (p.Ala120Thr). This variant also falls at the last nucleotide of exon 2, which is part of the consensus splice site for this exon. This variant is present in population databases (rs143010236, gnomAD 0.02%). This missense change has been observed in individuals with ataxia with vitamin E deficiency (PMID: 9463307, 19566498, 34759169). It has also been observed to segregate with disease in related individuals. ClinVar contains an entry for this variant (Variation ID: 65591). An algorithm developed to predict the effect of missense changes on protein structure and function (PolyPhen-2) suggests that this variant is likely to be tolerated. Experimental studies have shown that this missense change affects TTPA function (PMID: 15065857, 16819822, 18458085). Variants that disrupt the consensus splice site are a relatively common cause of aberrant splicing (PMID: 17576681, 9536098). For these reasons, this variant has been classified as Pathogenic.

Fulgent Genetics
Classification: Likely pathogenic for Familial isolated deficiency of vitamin E. Last evaluated: 2024-05-31. Review status: criteria provided, single submitter. Criteria: ACMG Guidelines, 2015. Collection method: clinical testing. Allele origin: germline.

Women's Health and Genetics/Laboratory Corporation of America, LabCorp
Classification: Likely pathogenic for Familial isolated deficiency of vitamin E. Last evaluated: 2022-08-10. Review status: criteria provided, single submitter. Criteria: LabCorp Variant Classification Summary - May 2015. Collection method: clinical testing. Allele origin: germline.
Comment: Variant summary: TTPA c.358G>A (p.Ala120Thr) results in a non-conservative amino acid change located in the CRAL-TRIO lipid binding domain (IPR001251) of the encoded protein sequence. Three of five in-silico tools predict a benign effect of the variant on protein function. Due to its location at the last nucleotide of exon adjacent to the canonical splice donor site, several computational tools predict a slight impact on normal splicing: Three predict the variant slightly weakens the adjacent canonical 5' donor site. One predicts the variant has no significant impact on splicing. However, these predictions have yet to be confirmed by functional studies. The variant allele was found at a frequency of 3.2e-05 in 251236 control chromosomes. c.358G>A has been reported in the literature as a mild variant observed in homozygous/compound heterozygous genotype in at-least four individuals affected with mild features of Ataxia With Vitamin E Deficiency (example, Cavalier_1998, Koht_2009, Tabuena_2021). These data indicate that the variant is very likely to be associated with disease. At least three publications report experimental evidence evaluating an impact on protein function demonstrating similar affinity as wild-type for tocopherol and similar ability as wild-type to stimulate intermembrane transfer of tocopherol (example, Morley_2004, Morley_2008). The most pronounced variant effect results in intermediate levels of secretion of Vitamin E from cells (67% of WT), which is interpreted as a marked increase in the rate of degradation of the protein by the proteasome, suggesting that the variant may decrease steady-state levels of the protein (Qian_2006). Three clinical diagnostic laboratories have submitted clinical-significance assessments for this variant to ClinVar after 2014 without evidence for independent evaluation (Likely pathogenic, n=2; VUS, n=1). Based on the evidence outlined above, the variant was classified as likely pathogenic.

Counsyl
Classification: Uncertain significance for Familial isolated deficiency of vitamin E. Last evaluated: 2017-11-14. Review status: no assertion criteria provided. Collection method: clinical testing. Allele origin: unknown. Not counted in ClinVar's aggregate classification.

GeneReviews
No classification provided. Condition: Familial isolated deficiency of vitamin E. Review status: no classification provided. Collection method: literature only. Allele origin: unknown. Not counted in ClinVar's aggregate classification.

Literature cited by the submitters: PubMed 34759169 (cited by 3 submitters); PubMed 9463307 (cited by 4 submitters); PubMed 19566498 (cited by 4 submitters); PubMed 37982115 (cited by Natera, Inc.); PubMed 15065857 (cited by 3 submitters); PubMed 16819822 (cited by 3 submitters); PubMed 18458085 (cited by 3 submitters); PubMed 17576681 (cited by Labcorp Genetics (formerly Invitae), Labcorp); PubMed 9536098 (cited by Labcorp Genetics (formerly Invitae), Labcorp); PubMed 24369383 (cited by Women's Health and Genetics/Laboratory Corporation of America, LabCorp); PubMed 25614784 (cited by Women's Health and Genetics/Laboratory Corporation of America, LabCorp); PubMed 23077608 (cited by Counsyl); PubMed 20301419 (cited by GeneReviews); NCBI Bookshelf NBK1241 (cited by GeneReviews).

NM_000370.3(TTPA):c.358G>A (p.Ala120Thr)

Gene: TTPA (alpha tocopherol transfer protein; minus strand). Cytogenetic location: 8q12.3.
Variant type: single nucleotide variant.
Coding change: c.358G>A on transcript NM_000370.3 (MANE Select); coding-DNA position 358, G replaced by A.
Protein change: p.Ala120Thr; replaces alanine 120 with threonine.
Molecular consequence: missense variant.
Genome position (GRCh38, 1-based): chr8:63,072,935, C>T on the plus strand (G>A on the coding strand, the complement: TTPA is on the minus strand). VCF-style: chr8-63072935-C-T. GRCh37 (hg19) VCF-style: chr8-63985494-C-T.
Other names: short protein forms A120T.
Identifiers: ClinVar variation 65591 (VCV000065591.25), dbSNP rs143010236, ClinGen allele CA344919.